The following is an entry in ClinVar:

NM_000458.4(HNF1B):c.*9C>T

Gene: HNF1B (HNF1 homeobox B; minus strand). Cytogenetic location: 17q12.
Variant type: single nucleotide variant.
Coding change: c.*9C>T on transcript NM_000458.4 (MANE Select); 9 bases downstream of the stop codon, C replaced by T.
Molecular consequence: 3 prime UTR variant. On other transcripts: missense variant (2).
Genome position (GRCh38, 1-based): chr17:37,687,363, G>A on the plus strand (C>T on the coding strand, the complement: HNF1B is on the minus strand). VCF-style: chr17-37687363-G-A. GRCh37 (hg19) VCF-style: chr17-36047366-G-A.
Other names: c.*9C>T (NM_001165923.4); c.1291C>T, p.His431Tyr (NM_001304286.2); c.1564C>T, p.His522Tyr (NM_001411100.1); short protein forms H431Y, H522Y.
Identifiers: ClinVar variation 4988426 (VCV004988426.1).

ClinVar aggregate classification (germline): Uncertain significance (1 of 4 stars; one submission).

Conditions:
HNF1B-related disorder. Also called: HNF1B-related condition; HNF1B-related disorders.

gnomAD v4.1: 15 of 1,614,068 alleles (0.00093%); highest among the groups gnomAD compares: Non-Finnish European, 0.0012%; no homozygotes.

Submission:

PreventionGenetics, part of Exact Sciences
Classification: Uncertain significance for HNF1B-related condition. Last evaluated: 2026-05-26. Review status: criteria provided, single submitter. Criteria: ACMG Guidelines, 2015. Collection method: clinical testing. Allele origin: germline.
Comment: The HNF1B c.1291C>T variant is predicted to result in the amino acid substitution p.His431Tyr. To our knowledge, this variant has not been reported in the literature. This variant is reported in 0.0018% of alleles in individuals of European (Non-Finnish) descent in gnomAD. At this time, the clinical significance of this variant is uncertain due to the absence of conclusive functional and genetic evidence.